The following is an entry in ClinVar:

ClinVar aggregate classification (germline): Uncertain significance (1 of 4 stars; one submission).

Allele frequency attached by ClinVar (database versions not stated): gnomAD exomes below 0.00001.
gnomAD v4.1: 1 of 1,597,952 alleles (0.000063%); highest among the groups gnomAD compares: Non-Finnish European, 0.000085%; no homozygotes.

Submission:

Ambry Genetics
Classification: Uncertain significance. Last evaluated: 2025-02-08. Review status: criteria provided, single submitter. Criteria: Ambry Variant Classification Scheme 2023. Collection method: clinical testing. Allele origin: germline.
Comment: The p.S103Y variant (also known as c.308C>A), located in coding exon 4 of the RPS20 gene, results from a C to A substitution at nucleotide position 308. The serine at codon 103 is replaced by tyrosine, an amino acid with dissimilar properties. This amino acid position is conserved. In addition, this alteration is predicted to be deleterious by in silico analysis. Since supporting evidence is limited at this time, the clinical significance of this alteration remains unclear.

NM_001023.4(RPS20):c.308C>A (p.Ser103Tyr)

Gene: RPS20 (ribosomal protein S20; minus strand). Cytogenetic location: 8q12.1.
Variant type: single nucleotide variant.
Coding change: c.308C>A on transcript NM_001023.4 (MANE Select); coding-DNA position 308, C replaced by A.
Protein change: p.Ser103Tyr; replaces serine 103 with tyrosine.
Molecular consequence: missense variant.
Genome position (GRCh38, 1-based): chr8:56,073,142, G>T on the plus strand (C>A on the coding strand, the complement: RPS20 is on the minus strand). VCF-style: chr8-56073142-G-T. GRCh37 (hg19) VCF-style: chr8-56985701-G-T.
Other names: c.308C>A, p.Ser103Tyr (NM_001146227.3); short protein forms S103Y.
Identifiers: ClinVar variation 1727430 (VCV001727430.3), dbSNP rs2486981744, ClinGen allele CA371282587.